The following is an entry in ClinVar:

NM_004268.5(MED17):c.924dup (p.Ala309fs)

Gene: MED17 (mediator complex subunit 17; plus strand). Cytogenetic location: 11q21.
Variant type: Duplication.
Coding change: c.924dup on transcript NM_004268.5 (MANE Select); coding-DNA position 924, one base duplicated (T; older notation c.924dupT).
Protein change: p.Ala309fs; shifts the reading frame from alanine 309.
Molecular consequence: frameshift variant.
Genome position (GRCh38, 1-based): chr11:93,794,972, T duplicated; the last of 5 consecutive T bases (chr11:93,794,968-93,794,972); duplicating any one gives the same sequence. VCF-style (leftmost placement, unchanged base first): chr11-93794967-A-AT. GRCh37 (hg19) VCF-style: chr11-93528133-A-AT.
Other names: short protein forms A309fs.
Identifiers: ClinVar variation 2719707 (VCV002719707.3), dbSNP rs2497530420, ClinGen allele CA2697548865.

ClinVar aggregate classification (germline): Pathogenic (1 of 4 stars; one submission).

Submission:

Labcorp Genetics (formerly Invitae), Labcorp
Classification: Pathogenic. Last evaluated: 2023-06-23. Review status: criteria provided, single submitter. Criteria: Invitae Variant Classification Sherloc (09022015). Collection method: clinical testing. Allele origin: germline.
Comment: This sequence change creates a premature translational stop signal (p.Ala309Cysfs*11) in the MED17 gene. It is expected to result in an absent or disrupted protein product. Loss-of-function variants in MED17 are known to be pathogenic (PMID: 20950787, 26004231, 30345598). This variant is not present in population databases (gnomAD no frequency). This variant has not been reported in the literature in individuals affected with MED17-related conditions. For these reasons, this variant has been classified as Pathogenic.

Literature cited by the submitters: PubMed 20950787; PubMed 26004231; PubMed 30345598.